The following is an entry in ClinVar:

ClinVar aggregate classification (germline): Uncertain significance (1 of 4 stars; one submission).

Allele frequency attached by ClinVar (database versions not stated): gnomAD exomes 0.00001; ExAC 0.00002.
gnomAD v4.1: 22 of 1,613,980 alleles (0.0014%); highest among the groups gnomAD compares: East Asian, 0.0022%; no homozygotes.

Submission:

Ambry Genetics
Classification: Uncertain significance. Last evaluated: 2023-01-12. Review status: criteria provided, single submitter. Criteria: Ambry Variant Classification Scheme 2023. Collection method: clinical testing. Allele origin: germline.
Comment: The p.R1252Q variant (also known as c.3755G>A), located in coding exon 4 of the ALPK2 gene, results from a G to A substitution at nucleotide position 3755. The arginine at codon 1252 is replaced by glutamine, an amino acid with highly similar properties. This amino acid position is conserved. In addition, this alteration is predicted to be tolerated by in silico analysis. Since supporting evidence is limited at this time, the clinical significance of this alteration remains unclear.

NM_052947.4(ALPK2):c.3755G>A (p.Arg1252Gln)

Genes: ALPK2 (alpha kinase 2; minus strand), LOC126862764 (BRD4-independent group 4 enhancer GRCh37_chr18:56202574-56203773; plus strand). Cytogenetic location: 18q21.31.
Variant type: single nucleotide variant.
Coding change: c.3755G>A on transcript NM_052947.4 (MANE Select); coding-DNA position 3755, G replaced by A.
Protein change: p.Arg1252Gln; replaces arginine 1252 with glutamine.
Molecular consequence: missense variant.
Genome position (GRCh38, 1-based): chr18:58,536,432, C>T on the plus strand (G>A on the coding strand, the complement: ALPK2 is on the minus strand). VCF-style: chr18-58536432-C-T. GRCh37 (hg19) VCF-style: chr18-56203664-C-T.
Other names: short protein forms R1252Q.
Identifiers: ClinVar variation 2450858 (VCV002450858.2), dbSNP rs752137213, ClinGen allele CA8976836.